The following is an entry in ClinVar:

NM_138959.3(VANGL1):c.868T>C (p.Tyr290His)

Gene: VANGL1 (VANGL planar cell polarity protein 1; plus strand). Cytogenetic location: 1p13.1.
Variant type: single nucleotide variant.
Coding change: c.868T>C on transcript NM_138959.3 (MANE Select); coding-DNA position 868, T replaced by C.
Protein change: p.Tyr290His; replaces tyrosine 290 with histidine.
Molecular consequence: missense variant.
Genome position (GRCh38, 1-based): chr1:115,682,419, T>C. VCF-style: chr1-115682419-T-C. GRCh37 (hg19) VCF-style: chr1-116225040-T-C.
Other names: c.862T>C, p.Tyr288His (NM_001172411.2); c.868T>C, p.Tyr290His (NM_001172412.2); short protein forms Y288H, Y290H.
Identifiers: ClinVar variation 873609 (VCV000873609.4), dbSNP rs145309218, ClinGen allele CA1023349.
Genomic context (GRCh38, chr1:115,682,419, plus strand): 5'-CTCAGTATCCAGCGAGCAGCATTGGTGGTCCTAGAAAATTACTACAAAGATTTCACCATC[T>C]ATAACCCAAACCTCCTAACAGCCTCCAAATTCCGAGCAGCCAAGCATATGGCCGGGCTGA-3'
Protein context (NP_620409.1, residues 280-300): LENYYKDFTI[Tyr290His]NPNLLTASKF

ClinVar aggregate classification (germline): Conflicting classifications of pathogenicity. Review status: criteria provided, conflicting classifications (1 of 4 stars). 2 submissions from 1 submitter: Uncertain significance (1); Likely benign (1). Last evaluated 2017-04-27.

Conditions:
Sacral defect with anterior meningocele. Identifiers: MedGen C1838568, OMIM 600145.
Neural tube defect (NTD). Also called: Neural tube defects. Identifiers: Orphanet 3388, Orphanet 823, MedGen C0027794, MONDO:0018075, HP:0045005.

Allele frequency attached by ClinVar (database versions not stated): TOPMed 0.00007; gnomAD exomes 0.00010; gnomAD 0.00013 and 0.00014; ESP Exome Variant Server 0.00015; ExAC 0.00018.
gnomAD v4.1: 163 of 1,614,096 alleles (0.01%); highest among the groups gnomAD compares: Middle Eastern, 0.016%; no homozygotes.

Submissions (2):

Illumina Laboratory Services, Illumina
Classification: Uncertain significance for Neural tube defects, susceptibility to. Last evaluated: 2017-04-27. Review status: criteria provided, single submitter. Criteria: ICSL Variant Classification Criteria 13 December 2019. Collection method: clinical testing. Allele origin: germline.
Comment: This variant was observed as part of a predisposition screen in an ostensibly healthy population. A literature search was performed for the gene, cDNA change, and amino acid change (where applicable). Publications were found based on this search. However, the evidence from the literature, in combination with allele frequency data from public databases where available, was not sufficient to rule this variant in or out of causing disease. Therefore, this variant is classified as a variant of unknown significance.

Illumina Laboratory Services, Illumina
Classification: Likely benign for Sacral defect with anterior meningocele. Last evaluated: 2017-04-27. Review status: criteria provided, single submitter. Criteria: ICSL Variant Classification Criteria 13 December 2019. Collection method: clinical testing. Allele origin: germline.
Comment: This variant was observed as part of a predisposition screen in an ostensibly healthy population. A literature search was performed for the gene, cDNA change, and amino acid change (where applicable). No publications were found based on this search. Allele frequency data from public databases allowed determination this variant is unlikely to cause disease. Therefore, this variant is classified as likely benign.

Literature cited by the submitters: PubMed 25208524; PubMed 19319979.